The following is an entry in ClinVar:

NM_032043.3(BRIP1):c.1426dup (p.Thr476fs)

Gene: BRIP1 (BRCA1 interacting DNA helicase 1; minus strand). Cytogenetic location: 17q23.2.
Variant type: Duplication.
Coding change: c.1426dup on transcript NM_032043.3 (MANE Select); coding-DNA position 1426, one base duplicated (A; older notation c.1426dupA).
Protein change: p.Thr476fs; shifts the reading frame from threonine 476.
Molecular consequence: frameshift variant.
Genome position (GRCh38, 1-based): chr17:61,793,644, T duplicated on the plus strand (A on the coding strand, the reverse complement: BRIP1 is on the minus strand); the first of 2 consecutive T bases (chr17:61,793,644-61,793,645); duplicating either gives the same sequence. VCF-style (leftmost placement, unchanged base first): chr17-61793643-G-GT. GRCh37 (hg19) VCF-style: chr17-59871004-G-GT.
Other names: short protein forms T476fs.
Identifiers: ClinVar variation 2121747 (VCV002121747.4), dbSNP rs2545106633, ClinGen allele CA2580094519.

ClinVar aggregate classification (germline): Pathogenic (1 of 4 stars; one submission).

Conditions:
Fanconi anemia complementation group J. Also called: BRIP1-Related Fanconi Anemia. Identifiers: Orphanet 84, MedGen C1836860, MONDO:0012187, OMIM 609054.
Familial cancer of breast. Also called: BREAST CANCER, FAMILIAL; hereditary breast carcinoma; Hereditary breast cancer. Identifiers: Orphanet 227535, MedGen C0346153, MONDO:0016419, OMIM 114480. Disease mechanism: loss of function.

Submission:

Labcorp Genetics (formerly Invitae), Labcorp
Classification: Pathogenic for Familial cancer of breast; Fanconi anemia complementation group J. Last evaluated: 2023-07-24. Review status: criteria provided, single submitter. Criteria: Invitae Variant Classification Sherloc (09022015). Collection method: clinical testing. Allele origin: germline.
Comment: For these reasons, this variant has been classified as Pathogenic. This sequence change creates a premature translational stop signal (p.Thr476Asnfs*35) in the BRIP1 gene. It is expected to result in an absent or disrupted protein product. Loss-of-function variants in BRIP1 are known to be pathogenic (PMID: 16116423, 17033622, 21964575). This variant is not present in population databases (gnomAD no frequency). This variant has not been reported in the literature in individuals affected with BRIP1-related conditions. ClinVar contains an entry for this variant (Variation ID: 2121747).

Literature cited by the submitters: PubMed 16116423; PubMed 17033622; PubMed 21964575.